The following is an entry in ClinVar:

NM_000156.6(GAMT):c.442dup (p.Gln148fs)

Gene: GAMT (guanidinoacetate N-methyltransferase; minus strand). Cytogenetic location: 19p13.3.
Variant type: Duplication.
Coding change: c.442dup on transcript NM_000156.6 (MANE Select); coding-DNA position 442, one base duplicated (C; older notation c.442dupC).
Protein change: p.Gln148fs; shifts the reading frame from glutamine 148.
Molecular consequence: frameshift variant.
Genome position (GRCh38, 1-based): chr19:1,399,145, G duplicated on the plus strand (C on the coding strand, the reverse complement: GAMT is on the minus strand); the first of 2 consecutive G bases (chr19:1,399,145-1,399,146); duplicating either gives the same sequence. VCF-style (leftmost placement, unchanged base first): chr19-1399144-T-TG. GRCh37 (hg19) VCF-style: chr19-1399143-T-TG.
Other names: c.442dupC (NM_000156.5); c.442dup, p.Gln148fs (NM_138924.3); short protein forms Q148fs.
Identifiers: ClinVar variation 982789 (VCV000982789.6), dbSNP rs2082618262, ClinGen allele CA1139666168.

ClinVar aggregate classification (germline): Pathogenic/Likely pathogenic. Review status: criteria provided, multiple submitters, no conflicts (2 of 4 stars). 4 submissions from 4 submitters: Pathogenic (3); Likely pathogenic (1). Last evaluated 2026-08-06.

Conditions:
Deficiency of guanidinoacetate methyltransferase (CCDS2). Also called: Guanidinoacetate Methyltransferase (GAMT) Deficiency; GAMT DEFICIENCY; CEREBRAL CREATINE DEFICIENCY SYNDROME 2. Identifiers: Orphanet 382, MedGen C0574080, MONDO:0012999, OMIM 612736.
Cerebral creatine deficiency syndrome. Also called: Creatine deficiency syndromes. Identifiers: Orphanet 79172, MedGen C5244016, MONDO:0000456.

Submissions (4):

OLLIN Analises Genomicas, OLLIN
Classification: Likely pathogenic for Deficiency of guanidinoacetate methyltransferase. Last evaluated: 2026-08-06. Review status: criteria provided, single submitter. Criteria: ACMG Guidelines 2015 PMID 25741868. Collection method: clinical testing. Allele origin: germline. Inheritance: Autosomal recessive inheritance.
Comment: This frameshift variant, located in exon 4 (of 6), has been reported in ClinVar (accession VCV000982789.5) and in gnomAD with an allele frequency of 0.000062%. However, to our knowledge, it has not been reported in the scientific literature. This variant causes a frameshift and introduces a premature stop codon, which is predicted to result in either a truncated protein or degradation of the mRNA via nonsense-mediated decay (NMD). According to the currently available evidence, this variant has been classified as likely pathogenic (PVS1, PM2_P).

Natera, Inc.
Classification: Pathogenic for Guanidinoacetate methyltransferase deficiency. Last evaluated: 2025-07-23. Review status: criteria provided, single submitter. Criteria: Natera Variant Classification Schema (03/2026). Collection method: clinical testing. Allele origin: germline.
Comment: The c.442dupC variant in GAMT is a frameshift variant predicted to shift the reading frame beginning at codon 148 and leads to a stop codon 43 codons downstream. This variant is expected to result in nonsense mediated decay, truncation, or a dysfunctional protein product. This variant is rare in the general population with a frequency below the threshold expected for the associated phenotype(s). This variant has been observed in one or more individuals affected with the associated recessive disease, as either homozygous or compound heterozygous with a second variant (PMID: 38469086). Given the available evidence, this variant is classified as Pathogenic.

Labcorp Genetics (formerly Invitae), Labcorp
Classification: Pathogenic for Cerebral creatine deficiency syndrome. Last evaluated: 2023-05-19. Review status: criteria provided, single submitter. Criteria: Invitae Variant Classification Sherloc (09022015). Collection method: clinical testing. Allele origin: germline.
Comment: For these reasons, this variant has been classified as Pathogenic. This variant disrupts a region of the GAMT protein in which other variant(s) (p.Gln193*) have been determined to be pathogenic (PMID: 23234264, 31130284). This suggests that this is a clinically significant region of the protein, and that variants that disrupt it are likely to be disease-causing. ClinVar contains an entry for this variant (Variation ID: 982789). This variant has not been reported in the literature in individuals affected with GAMT-related conditions. This variant is not present in population databases (gnomAD no frequency). This sequence change creates a premature translational stop signal (p.Gln148Profs*43) in the GAMT gene. While this is not anticipated to result in nonsense mediated decay, it is expected to disrupt the last 89 amino acid(s) of the GAMT protein.

Institute of Human Genetics, University of Leipzig Medical Center
Classification: Pathogenic for Deficiency of guanidinoacetate methyltransferase. Last evaluated: 2019-01-01. Review status: criteria provided, single submitter. Criteria: ACMG Guidelines, 2015. Collection method: clinical testing. Allele origin: unknown. Affected: yes.

Literature cited by the submitters: PubMed 38469086 (cited by Natera, Inc.); PubMed 23234264 (cited by Labcorp Genetics (formerly Invitae), Labcorp); PubMed 31130284 (cited by Labcorp Genetics (formerly Invitae), Labcorp).